The following is an entry in ClinVar:

NM_001205293.3(CACNA1E):c.2370G>T (p.Gln790His)

Gene: CACNA1E (calcium voltage-gated channel subunit alpha1 E; plus strand). Cytogenetic location: 1q25.3.
Variant type: single nucleotide variant.
Coding change: c.2370G>T on transcript NM_001205293.3 (MANE Select); coding-DNA position 2370, G replaced by T.
Protein change: p.Gln790His; replaces glutamine 790 with histidine.
Molecular consequence: missense variant.
Genome position (GRCh38, 1-based): chr1:181,732,456, G>T. VCF-style: chr1-181732456-G-T. GRCh37 (hg19) VCF-style: chr1-181701592-G-T.
Other names: c.2370G>T, p.Gln790His (NM_000721.4); c.2313G>T, p.Gln771His (NM_001205294.2); short protein forms Q771H, Q790H.
Identifiers: ClinVar variation 3370042 (VCV003370042.1).

ClinVar aggregate classification (germline): Uncertain significance (1 of 4 stars; one submission).

Submission:

GeneDx
Classification: Uncertain significance. Last evaluated: 2023-12-28. Review status: criteria provided, single submitter. Criteria: GeneDx Variant Classification Process June 2021. Collection method: clinical testing. Allele origin: germline. Affected: yes.
Comment: Not observed at significant frequency in large population cohorts (gnomAD); In silico analysis supports that this missense variant does not alter protein structure/function; Has not been previously published as pathogenic or benign to our knowledge